The following is an entry in ClinVar:

ClinVar aggregate classification (germline): Likely benign (0 of 4 stars; one submission).

Conditions:
FN1-related disorder. Also called: FN1-related condition.

gnomAD v4.1: 3 of 1,610,666 alleles (0.00019%); highest among the groups gnomAD compares: East Asian, 0.0022%; no homozygotes.

Submission:

PreventionGenetics, part of Exact Sciences
Classification: Likely benign for FN1-related condition. Last evaluated: 2019-04-15. Review status: no assertion criteria provided. Collection method: clinical testing. Allele origin: germline.
Comment: This variant is classified as likely benign based on ACMG/AMP sequence variant interpretation guidelines (Richards et al. 2015 PMID: 25741868, with internal and published modifications).

NM_212482.4(FN1):c.6248-9C>A

Gene: FN1 (fibronectin 1; minus strand). Cytogenetic location: 2q35.
Variant type: single nucleotide variant.
Coding change: c.6248-9C>A on transcript NM_212482.4 (MANE Select); 9 bases into the intron before coding-DNA position 6248, C replaced by A.
Molecular consequence: intron variant.
Genome position (GRCh38, 1-based): chr2:215,372,384, G>T on the plus strand (C>A on the coding strand, the complement: FN1 is on the minus strand). VCF-style: chr2-215372384-G-T. GRCh37 (hg19) VCF-style: chr2-216237107-G-T.
Other names: c.5705-369C>A (NM_212474.3); c.5705-84C>A (NM_001306132.2, NM_001365523.2); c.5705-9C>A (NM_001306131.2, NM_212476.3); c.5975-369C>A (NM_001365524.2); c.5975-84C>A (NM_212478.3, NM_001365520.2); c.5975-9C>A (NM_002026.4, NM_001365518.2); c.5978-369C>A (NM_001306130.2); c.5978-84C>A (NM_001365522.2, NM_001365519.2); and 2 more.
Identifiers: ClinVar variation 3353803 (VCV003353803.1).